The following is an entry in ClinVar:

ClinVar aggregate classification (germline): Pathogenic (1 of 4 stars; one submission).

Conditions:
Treacher Collins syndrome 1 (TCS1). Also called: TCOF1-Related Treacher Collins Syndrome. Identifiers: Orphanet 861, MedGen CN315775, MONDO:0007944, OMIM 154500.

Submission:

Labcorp Genetics (formerly Invitae), Labcorp
Classification: Pathogenic for Treacher Collins syndrome 1. Last evaluated: 2020-05-20. Review status: criteria provided, single submitter. Criteria: Invitae Variant Classification Sherloc (09022015). Collection method: clinical testing. Allele origin: germline.
Comment: For these reasons, this variant has been classified as Pathogenic. Loss-of-function variants in TCOF1 are known to be pathogenic (PMID: 8894686, 22317976). This variant has been observed in individual(s) with clinical features of Treacher-Collins syndrome (PMID: 12114482, Invitae). This variant is not present in population databases (ExAC no frequency). This sequence change creates a premature translational stop signal (p.Lys1403Glufs*25) in the TCOF1 gene. It is expected to result in an absent or disrupted protein product.

Literature cited by the submitters: PubMed 8894686; PubMed 22317976; PubMed 12114482.

NM_001371623.1(TCOF1):c.4210_4214del (p.Lys1404fs)

Gene: TCOF1 (treacle ribosome biogenesis factor 1; plus strand). Cytogenetic location: 5q32.
Variant type: Deletion.
Coding change: c.4210_4214del on transcript NM_001371623.1 (MANE Select); coding-DNA positions 4210 to 4214, 5 bases deleted (AAAGG; older notation c.4210_4214delAAAGG).
Protein change: p.Lys1404fs; shifts the reading frame from lysine 1404.
Molecular consequence: frameshift variant.
Genome position (GRCh38, 1-based): chr5:150,396,707-150,396,711, AAAGG deleted; deleting any 5 consecutive bases within chr5:150,396,706-150,396,711 gives the same sequence; the c. name uses the placement nearest the transcript's 3' end. VCF-style (leftmost placement, unchanged base first): chr5-150396705-AGAAAG-A. GRCh37 (hg19) VCF-style: chr5-149776268-AGAAAG-A.
Other names: c.3976_3980del, p.Lys1326fs (NM_000356.4); c.4207_4211del, p.Lys1403fs (NM_001135243.2); c.4096_4100del, p.Lys1366fs (NM_001135244.2); c.3979_3983del, p.Lys1327fs (NM_001135245.2); c.4093_4097del, p.Lys1365fs (NM_001195141.2); short protein forms K1326fs, K1327fs, K1365fs, K1366fs, K1403fs, K1404fs.
Identifiers: ClinVar variation 1070759 (VCV001070759.9), dbSNP rs2151105953, ClinGen allele CA2499217738.